The following is an entry in ClinVar:

ClinVar aggregate classification (germline): Conflicting classifications of pathogenicity. Review status: criteria provided, conflicting classifications (1 of 4 stars). 13 submissions from 13 submitters: Uncertain significance (11); Likely benign (1). 1 of the submissions does not count toward it. Last evaluated 2025-11-04.

Conditions:
Hereditary cancer-predisposing syndrome. Also called: Hereditary neoplastic syndrome; Neoplastic Syndromes, Hereditary; Hereditary Cancer Syndrome; Tumor predisposition. Identifiers: Orphanet 140162, MedGen C0027672, MeSH D009386, MONDO:0015356.
Peutz-Jeghers syndrome (PJS). Also called: POLYPOSIS, HAMARTOMATOUS INTESTINAL; POLYPS-AND-SPOTS SYNDROME; Peutz-Jeghers polyposis; Periorificial lentiginosis syndrome. Identifiers: Orphanet 2869, MedGen C0031269, MeSH D010580, MONDO:0008280, OMIM 175200.

Allele frequency attached by ClinVar (database versions not stated): TOPMed 0.00001.

Submissions (13):

Labcorp Genetics (formerly Invitae), Labcorp
Classification: Uncertain significance for Peutz-Jeghers syndrome. Last evaluated: 2025-11-04. Review status: criteria provided, single submitter. Criteria: Invitae Variant Classification Sherloc (09022015). Collection method: clinical testing. Allele origin: germline.
Comment: This sequence change replaces arginine, which is basic and polar, with cysteine, which is neutral and slightly polar, at codon 415 of the STK11 protein (p.Arg415Cys). The frequency data for this variant in the population databases is considered unreliable, as metrics indicate poor data quality at this position in the gnomAD database. This variant has not been reported in the literature in individuals affected with STK11-related conditions. ClinVar contains an entry for this variant (Variation ID: 403796). Invitae Evidence Modeling of protein sequence and biophysical properties (such as structural, functional, and spatial information, amino acid conservation, physicochemical variation, residue mobility, and thermodynamic stability) indicates that this missense variant is not expected to disrupt STK11 protein function with a negative predictive value of 95%. In summary, the available evidence is currently insufficient to determine the role of this variant in disease. Therefore, it has been classified as a Variant of Uncertain Significance.

Quest Diagnostics Nichols Institute San Juan Capistrano
Classification: Uncertain significance. Last evaluated: 2025-07-28. Review status: criteria provided, single submitter. Criteria: Quest Diagnostics criteria. Collection method: clinical testing. Allele origin: unknown.
Comment: The STK11 c.1243C>T (p.Arg415Cys) variant has not been reported in individuals with STK11-related conditions in the published literature. The frequency of this variant in the general population (Genome Aggregation Database) is uninformative in the assessment of its pathogenicity. Analysis of this variant using bioinformatics tools for the prediction of the effect of amino acid changes on protein structure and function yielded predictions that this variant is damaging. Based on the available information, we are unable to determine the clinical significance of this variant.

Color Diagnostics, LLC DBA Color Health
Classification: Likely benign for Hereditary cancer-predisposing syndrome. Last evaluated: 2025-04-08. Review status: criteria provided, single submitter. Criteria: ACMG Guidelines, 2015. Collection method: clinical testing. Allele origin: germline.

GeneDx
Classification: Uncertain significance. Last evaluated: 2024-10-25. Review status: criteria provided, single submitter. Criteria: GeneDx Variant Classification Process June 2021. Collection method: clinical testing. Allele origin: germline. Affected: yes.
Comment: Not observed at significant frequency in large population cohorts (gnomAD); In silico analysis indicates that this missense variant does not alter protein structure/function; Has not been previously published as pathogenic or benign to our knowledge; This variant is associated with the following publications: (PMID: 28900777)

All of Us Research Program, National Institutes of Health
Classification: Uncertain significance for Peutz-Jeghers syndrome. Last evaluated: 2024-04-16. Review status: criteria provided, single submitter. Criteria: ACMG Guidelines, 2015. Collection method: clinical testing. Allele origin: germline. Inheritance: Autosomal dominant inheritance. Observed: 5 variant alleles, 5 heterozygotes.
Comment: This missense variant replaces arginine with cysteine at codon 415 of the STK11 protein. Computational prediction suggests that this variant may not impact protein structure and function (internally defined REVEL score threshold <= 0.5, PMID: 27666373). To our knowledge, functional studies have not been reported for this variant. This variant has not been reported in individuals affected with STK11-related disorders in the literature. This variant has been identified in 2/175008 chromosomes in the general population by the Genome Aggregation Database (gnomAD). The available evidence is insufficient to determine the role of this variant in disease conclusively. Therefore, this variant is classified as a Variant of Uncertain Significance.

This study involves interpretation of variants in research participants for the purpose of population health screening. Participant phenotype was not available at the time of variant classification. Additional details can be found in publication PMID: 35346344, PMCID: PMC8962531

Ambry Genetics
Classification: Uncertain significance for Hereditary cancer-predisposing syndrome. Last evaluated: 2023-12-21. Review status: criteria provided, single submitter. Criteria: Ambry Variant Classification Scheme 2023. Collection method: clinical testing. Allele origin: germline.
Comment: The p.R415C variant (also known as c.1243C>T), located in coding exon 9 of the STK11 gene, results from a C to T substitution at nucleotide position 1243. The arginine at codon 415 is replaced by cysteine, an amino acid with highly dissimilar properties. This amino acid position is highly conserved in available vertebrate species. In addition, the in silico prediction for this alteration is inconclusive. Since supporting evidence is limited at this time, the clinical significance of this alteration remains unclear.

Myriad Genetics, Inc.
Classification: Uncertain significance for Peutz-Jeghers syndrome. Last evaluated: 2023-04-12. Review status: criteria provided, single submitter. Criteria: Myriad Autosomal Dominant, Autosomal Recessive and X-Linked Classification Criteria (2023). Collection method: clinical testing. Allele origin: unknown.
Comment: This variant is classified as a variant of uncertain significance as there is insufficient evidence to determine its impact on protein function and/or cancer risk.

Women's Health and Genetics/Laboratory Corporation of America, LabCorp
Classification: Uncertain significance. Last evaluated: 2023-02-03. Review status: criteria provided, single submitter. Criteria: LabCorp Variant Classification Summary - May 2015. Collection method: clinical testing. Allele origin: germline.
Comment: Variant summary: STK11 c.1243C>T (p.Arg415Cys) results in a non-conservative amino acid change in the encoded protein sequence. Five of five in-silico tools predict a damaging effect of the variant on protein function. The variant allele was found at a frequency of 1.1e-05 (i.e. in 2 carriers) in 175008 control chromosomes (gnomAD v2.1 exomes dataset). The available data on variant occurrences in the general population are insufficient to allow any conclusion about variant significance. To our knowledge, no occurrence of c.1243C>T in individuals affected with Peutz-Jeghers Syndrome and no experimental evidence demonstrating its impact on protein function have been reported. Eight ClinVar submitters (evaluation after 2014) have cited the variant, and all laboratories classified the variant as uncertain significance. Based on the evidence outlined above, the variant was classified as uncertain significance.

Blueprint Genetics
Classification: Uncertain significance. Last evaluated: 2022-03-23. Review status: criteria provided, single submitter. Criteria: ACMG Guidelines, 2015. Collection method: clinical testing. Allele origin: germline.

Sema4
Classification: Uncertain significance for Hereditary cancer-predisposing syndrome. Last evaluated: 2022-03-17. Review status: criteria provided, single submitter. Criteria: Sema4 Curation Guidelines. Collection method: curation. Allele origin: germline.
Comment: The STK11 c.1243C>T (p.R415C) variant has not been reported in the literature to our knowledge. It was observed in 1/27308 chromosomes of the Latino subpopulation in the large and broad cohorts of the Genome Aggregation Database (PMID: 32461654). The variant has been reported in ClinVar (Variation ID 403796). Functional studies have not been performed, and in silico predictions of the variant's effect on protein function are inconclusive. The evidence is insufficient to meet ACMG/AMP criteria for classifying the variant as benign or pathogenic. Thus, the clinical significance of this variant is currently uncertain.

Genome-Nilou Lab
Classification: Uncertain significance for Peutz-Jeghers syndrome. Last evaluated: 2021-07-15. Review status: criteria provided, single submitter. Criteria: ACMG Guidelines, 2015. Collection method: clinical testing. Allele origin: germline. Affected: no.

Department of Pathology and Laboratory Medicine, Sinai Health System
Classification: Uncertain significance for Peutz-Jeghers syndrome. Last evaluated: 2021-07-09. Review status: criteria provided, single submitter. Criteria: ACMG Guidelines, 2015. Collection method: clinical testing. Allele origin: germline. Affected: yes.

Counsyl
Classification: Uncertain significance for Peutz-Jeghers syndrome. Last evaluated: 2017-10-16. Review status: no assertion criteria provided. Collection method: clinical testing. Allele origin: unknown. Not counted in ClinVar's aggregate classification.

NM_000455.5(STK11):c.1243C>T (p.Arg415Cys)

Gene: STK11 (serine/threonine kinase 11; plus strand). Cytogenetic location: 19p13.3.
Variant type: single nucleotide variant.
Coding change: c.1243C>T on transcript NM_000455.5 (MANE Select); coding-DNA position 1243, C replaced by T.
Protein change: p.Arg415Cys; replaces arginine 415 with cysteine.
Molecular consequence: missense variant.
Genome position (GRCh38, 1-based): chr19:1,226,588, C>T. VCF-style: chr19-1226588-C-T. GRCh37 (hg19) VCF-style: chr19-1226587-C-T.
Other names: short protein forms R415C.
Identifiers: ClinVar variation 403796 (VCV000403796.36), dbSNP rs864622448, ClinGen allele CA16616246.
Genomic context (GRCh38, chr19:1,226,588, plus strand): 5'-ACAGAGGCGGCGCAGCTGAGCACCAAATCCAGGGCGGAGGGCCGGGCCCCCAACCCTGCC[C>T]GCAAGGCCTGCTCCGCCAGCAGCAAGATCCGCCGGCTGTCGGCCTGCAAGCAGCAGTGAG-3'
Protein context (NP_000446.1, residues 405-425): RAEGRAPNPA[Arg415Cys]KACSASSKIR